The following is an entry in ClinVar:

NM_002700.3(POU4F3):c.881C>T (p.Ala294Val)

Genes: POU4F3 (POU class 4 homeobox 3; plus strand), RBM27-POU4F3 (RBM27-POU4F3 readthrough; plus strand). Cytogenetic location: 5q32.
Variant type: single nucleotide variant.
Coding change: c.881C>T on transcript NM_002700.3 (MANE Select); coding-DNA position 881, C replaced by T.
Protein change: p.Ala294Val; replaces alanine 294 with valine.
Molecular consequence: missense variant. On other transcripts: 3 prime UTR variant (1).
Genome position (GRCh38, 1-based): chr5:146,340,308, C>T. VCF-style: chr5-146340308-C-T. GRCh37 (hg19) VCF-style: chr5-145719871-C-T.
Other names: c.*750C>T (NM_001414499.1); short protein forms A294V.
Identifiers: ClinVar variation 4745165 (VCV004745165.1).

ClinVar aggregate classification (germline): Uncertain significance (1 of 4 stars; one submission).

Submission:

Labcorp Genetics (formerly Invitae), Labcorp
Classification: Uncertain significance. Last evaluated: 2025-10-13. Review status: criteria provided, single submitter. Criteria: Invitae Variant Classification Sherloc (09022015). Collection method: clinical testing. Allele origin: germline.
Comment: This sequence change replaces alanine, which is neutral and non-polar, with valine, which is neutral and non-polar, at codon 294 of the POU4F3 protein (p.Ala294Val). This variant is not present in population databases (gnomAD no frequency). This variant has not been reported in the literature in individuals affected with POU4F3-related conditions. Invitae Evidence Modeling of protein sequence and biophysical properties (such as structural, functional, and spatial information, amino acid conservation, physicochemical variation, residue mobility, and thermodynamic stability) indicates that this missense variant is not expected to disrupt POU4F3 protein function with a negative predictive value of 80%. In summary, the available evidence is currently insufficient to determine the role of this variant in disease. Therefore, it has been classified as a Variant of Uncertain Significance.